The following is an entry in ClinVar:

ClinVar aggregate classification (germline): Uncertain significance (1 of 4 stars; one submission).

Conditions:
DOCK2 deficiency. Also called: Immunodeficiency 40. Identifiers: Orphanet 447737, MedGen C4225328, MONDO:0014637, OMIM 616433.

Allele frequency attached by ClinVar (database versions not stated): gnomAD 0.00001; gnomAD exomes 0.00001 and 0.00003; TOPMed 0.00001; ExAC 0.00003; ESP Exome Variant Server 0.00008.
gnomAD v4.1: 20 of 1,613,854 alleles (0.0012%); highest among the groups gnomAD compares: East Asian, 0.0067%; no homozygotes.

Submission:

Labcorp Genetics (formerly Invitae), Labcorp
Classification: Uncertain significance for DOCK2 deficiency. Last evaluated: 2025-11-16. Review status: criteria provided, single submitter. Criteria: Invitae Variant Classification Sherloc (09022015). Collection method: clinical testing. Allele origin: germline.
Comment: This sequence change replaces arginine, which is basic and polar, with glutamine, which is neutral and polar, at codon 921 of the DOCK2 protein (p.Arg921Gln). This variant is present in population databases (rs370529585, gnomAD 0.007%). This variant has not been reported in the literature in individuals affected with DOCK2-related conditions. ClinVar contains an entry for this variant (Variation ID: 1061907). An algorithm developed to predict the effect of missense changes on protein structure and function (PolyPhen-2) suggests that this variant is likely to be tolerated. In summary, the available evidence is currently insufficient to determine the role of this variant in disease. Therefore, it has been classified as a Variant of Uncertain Significance.

NM_004946.3(DOCK2):c.2762G>A (p.Arg921Gln)

Gene: DOCK2 (dedicator of cytokinesis 2; plus strand). Cytogenetic location: 5q35.1.
Variant type: single nucleotide variant.
Coding change: c.2762G>A on transcript NM_004946.3 (MANE Select); coding-DNA position 2762, G replaced by A.
Protein change: p.Arg921Gln; replaces arginine 921 with glutamine.
Molecular consequence: missense variant. On other transcripts: non-coding transcript variant (1).
Genome position (GRCh38, 1-based): chr5:169,840,815, G>A. VCF-style: chr5-169840815-G-A. GRCh37 (hg19) VCF-style: chr5-169267819-G-A.
Other names: short protein forms R921Q.
Identifiers: ClinVar variation 1061907 (VCV001061907.9), dbSNP rs370529585, ClinGen allele CA3553841.